The following is an entry in ClinVar:

NM_004612.4(TGFBR1):c.575-9dup

Gene: TGFBR1 (transforming growth factor beta receptor 1; plus strand). Cytogenetic location: 9q22.33.
Variant type: Duplication.
Coding change: c.575-9dup on transcript NM_004612.4 (MANE Select); 9 bases into the intron before coding-DNA position 575, one base duplicated (T; older notation c.575-9dupT).
Molecular consequence: intron variant.
Genome position (GRCh38, 1-based): chr9:99,137,850, T duplicated; the last of 5 consecutive T bases (chr9:99,137,846-99,137,850); duplicating any one gives the same sequence. VCF-style (leftmost placement, unchanged base first): chr9-99137845-A-AT. GRCh37 (hg19) VCF-style: chr9-101900127-A-AT.
Other names: c.587-9dup (NM_001306210.2); c.344-9dup (NM_001130916.3); c.575-9dupT (NM_004612.2, NM_004612.3).
Identifiers: ClinVar variation 213855 (VCV000213855.23), dbSNP rs863223798, ClinGen allele CA325034.
Genomic context (GRCh38, chr9:99,137,845, plus strand): 5'-ATTAGTGCCTATCATGATGTTTGAAACATGTAATATTGTTGATTGTGTTGAGTACTATTT[A>AT]TTTTTACCTTTAGGTTTACCATTGCTTGTTCAGAGAACAATTGCGAGAACTATTGTGTTA-3'

ClinVar aggregate classification (germline): Benign/Likely benign. Review status: criteria provided, multiple submitters, no conflicts (2 of 4 stars). 6 submissions from 6 submitters: Benign (5); Likely benign (1). Last evaluated 2026-02-03.

Conditions:
Ehlers-Danlos syndrome (EDS). Identifiers: Orphanet 98249, MedGen C0013720, MONDO:0020066.
Familial thoracic aortic aneurysm and aortic dissection (TAAD). Also called: Thoracic aortic aneurysms and dissections. Identifiers: Orphanet 91387, MedGen C4707243, MONDO:0019625.

Submissions (6):

Labcorp Genetics (formerly Invitae), Labcorp
Classification: Benign for Familial thoracic aortic aneurysm and aortic dissection. Last evaluated: 2026-02-03. Review status: criteria provided, single submitter. Criteria: Invitae Variant Classification Sherloc (09022015). Collection method: clinical testing. Allele origin: germline.

Blueprint Genetics
Classification: Likely benign. Last evaluated: 2024-11-11. Review status: criteria provided, single submitter. Criteria: ACMG Guidelines, 2015. Collection method: clinical testing. Allele origin: germline.

Women's Health and Genetics/Laboratory Corporation of America, LabCorp
Classification: Benign. Last evaluated: 2022-03-19. Review status: criteria provided, single submitter. Criteria: LabCorp Variant Classification Summary - May 2015. Collection method: clinical testing. Allele origin: germline.

Genome Diagnostics Laboratory, The Hospital for Sick Children
Classification: Benign for Ehlers-Danlos syndrome. Last evaluated: 2020-08-10. Review status: criteria provided, single submitter. Criteria: ACMG Guidelines, 2015. Collection method: clinical testing. Allele origin: germline.

Color Diagnostics, LLC DBA Color Health
Classification: Benign for Familial thoracic aortic aneurysm and aortic dissection. Last evaluated: 2018-10-08. Review status: criteria provided, single submitter. Criteria: ACMG Guidelines, 2015. Collection method: clinical testing. Allele origin: germline.

GeneDx
Classification: Benign. Last evaluated: 2015-03-03. Review status: criteria provided, single submitter. Criteria: GeneDx Variant Classification (06012015). Collection method: clinical testing. Allele origin: germline. Affected: yes.
Comment: This variant was found in TAADV2-PANCARD,TAAD,TAADV2-1